The following is an entry in ClinVar:

ClinVar aggregate classification (germline): Conflicting classifications of pathogenicity. Review status: criteria provided, conflicting classifications (1 of 4 stars). 9 submissions from 9 submitters: Uncertain significance (7); Likely benign (1). 1 of the submissions does not count toward it. Last evaluated 2024-09-13.

Conditions:
Renal carnitine transport defect (CDSP). Also called: Systemic primary carnitine deficiency; Carnitine transporter deficiency; Primary carnitine deficiency; Carnitine Deficiency, Systemic; Systemic primary carnitine deficiency disease; CARNITINE DEFICIENCY, SYSTEMIC, DUE TO DEFECT IN RENAL REABSORPTION OF CARNITINE. Identifiers: Orphanet 158, MedGen C0342788, MONDO:0008919, OMIM 212140.

Allele frequency attached by ClinVar (database versions not stated): TOPMed 0.00014; gnomAD 0.00016.
gnomAD v4.1: 102 of 1,610,152 alleles (0.0063%); highest among the groups gnomAD compares: East Asian, 0.042%; no homozygotes.

Submissions (9):

Mayo Clinic Laboratories, Mayo Clinic
Classification: Uncertain significance. Last evaluated: 2024-09-13. Review status: criteria provided, single submitter. Criteria: ACMG Guidelines, 2015. Collection method: clinical testing. Allele origin: germline. Observed: 2 variant alleles.

Revvity Omics, Revvity
Classification: Uncertain significance for Renal carnitine transport defect. Last evaluated: 2023-09-17. Review status: criteria provided, single submitter. Criteria: ACMG Guidelines, 2015. Collection method: clinical testing. Allele origin: germline.

Labcorp Genetics (formerly Invitae), Labcorp
Classification: Uncertain significance for Renal carnitine transport defect. Last evaluated: 2022-10-18. Review status: criteria provided, single submitter. Criteria: Invitae Variant Classification Sherloc (09022015). Collection method: clinical testing. Allele origin: germline.
Comment: This sequence change replaces isoleucine, which is neutral and non-polar, with threonine, which is neutral and polar, at codon 348 of the SLC22A5 protein (p.Ile348Thr). This variant is present in population databases (rs150544263, gnomAD 0.05%). This missense change has been observed in individual(s) with clinical features of primary carnitine deficiency (PMID: 17486650, 28841266). ClinVar contains an entry for this variant (Variation ID: 25407). Advanced modeling of protein sequence and biophysical properties (such as structural, functional, and spatial information, amino acid conservation, physicochemical variation, residue mobility, and thermodynamic stability) performed at Invitae indicates that this missense variant is not expected to disrupt SLC22A5 protein function. Experimental studies have shown that this missense change does not substantially affect SLC22A5 function (PMID: 28841266). In summary, the available evidence is currently insufficient to determine the role of this variant in disease. Therefore, it has been classified as a Variant of Uncertain Significance.

Genome-Nilou Lab
Classification: Uncertain significance for Renal carnitine transport defect. Last evaluated: 2021-07-15. Review status: criteria provided, single submitter. Criteria: ACMG Guidelines, 2015. Collection method: clinical testing. Allele origin: germline. Affected: no.

Clinical Genomics Laboratory, Stanford Medicine
Classification: Uncertain significance for Renal carnitine transport defect. Last evaluated: 2021-06-04. Review status: criteria provided, single submitter. Criteria: ACMG Guidelines, 2015. Collection method: clinical testing. Allele origin: germline. Affected: yes. Observed: 1 heterozygote.
Comment: • The p.Ile348Thr variant in the SLC22A5 gene has been previously reported in 1 individual referred for possible carnitine deficiency without a second variant identified (Frigeni et al., 2017). • The p.Ile348Thr variant has also been identified in 10/19,954 East Asian chromosomes by the Genome Aggregation Database. Although this variant has been seen in the general population, its frequency is low enough to be consistent with a recessive carrier frequency. • Computational tools predict that this variant does not impact protein function; however, the accuracy of in silico algorithms is limited. • These data were assessed using the ACMG/AMP variant interpretation guidelines. In summary, the significance of the p.Ile348Thr variant is uncertain. Additional information is needed to resolve the significance of this variant. [ACMG evidence codes used: PM2]

GeneDx
Classification: Likely benign. Last evaluated: 2021-05-21. Review status: criteria provided, single submitter. Criteria: GeneDx Variant Classification Process June 2021. Collection method: clinical testing. Allele origin: germline. Affected: yes.
Comment: This variant is associated with the following publications: (PMID: 28841266)

Fulgent Genetics
Classification: Uncertain significance for Renal carnitine transport defect. Last evaluated: 2018-10-31. Review status: criteria provided, single submitter. Criteria: ACMG Guidelines, 2015. Collection method: clinical testing. Allele origin: unknown.

Illumina Laboratory Services, Illumina
Classification: Uncertain significance for Renal carnitine transport defect. Last evaluated: 2017-04-27. Review status: criteria provided, single submitter. Criteria: ICSL Variant Classification Criteria 13 December 2019. Collection method: clinical testing. Allele origin: germline.

Natera, Inc.
Classification: Uncertain significance for Primary systemic carnitine deficiency. Last evaluated: 2020-01-02. Review status: no assertion criteria provided. Collection method: clinical testing. Allele origin: germline. Not counted in ClinVar's aggregate classification.

Literature cited by the submitters: PubMed 26828774 (cited by Mayo Clinic Laboratories, Mayo Clinic); PubMed 28841266 (cited by Mayo Clinic Laboratories, Mayo Clinic and Labcorp Genetics (formerly Invitae), Labcorp); PubMed 17486650 (cited by Labcorp Genetics (formerly Invitae), Labcorp).

NM_003060.4(SLC22A5):c.1043T>C (p.Ile348Thr)

Gene: SLC22A5 (solute carrier family 22 member 5; plus strand). Cytogenetic location: 5q31.1.
Variant type: single nucleotide variant.
Coding change: c.1043T>C on transcript NM_003060.4 (MANE Select); coding-DNA position 1043, T replaced by C.
Protein change: p.Ile348Thr; replaces isoleucine 348 with threonine.
Molecular consequence: missense variant.
Genome position (GRCh38, 1-based): chr5:132,389,012, T>C. VCF-style: chr5-132389012-T-C. GRCh37 (hg19) VCF-style: chr5-131724704-T-C.
Other names: p.Ile348Thr; c.1115T>C, p.Ile372Thr (NM_001308122.2); short protein forms I372T.
Identifiers: ClinVar variation 25407 (VCV000025407.21), dbSNP rs150544263, ClinGen allele CA342666.